The following is an entry in ClinVar:

NM_001368397.1(FRMPD4):c.1218G>A (p.Lys406=)

Gene: FRMPD4 (FERM and PDZ domain containing 4; plus strand). Cytogenetic location: Xp22.2.
Variant type: single nucleotide variant.
Coding change: c.1218G>A on transcript NM_001368397.1 (MANE Select); coding-DNA position 1218, G replaced by A.
Protein change: p.Lys406=; no amino-acid change (lysine 406 retained).
Molecular consequence: synonymous variant.
Genome position (GRCh38, 1-based): chrX:12,706,846, G>A. VCF-style: chrX-12706846-G-A. GRCh37 (hg19) VCF-style: chrX-12724965-G-A.
Other names: c.1329G>A, p.Lys443= (NM_001368395.3, NM_001368398.3); c.1224G>A, p.Lys408= (NM_001368396.3); c.1209G>A, p.Lys403= (NM_001368399.3); c.1098G>A, p.Lys366= (NM_001368400.3); c.1194G>A, p.Lys398= (NM_001368401.1, NM_001368402.3); c.1218G>A, p.Lys406= (NM_014728.3).
Identifiers: ClinVar variation 1336134 (VCV001336134.40), dbSNP rs140428359, ClinGen allele CA10349239.
Genomic context (GRCh38, chrX:12,706,846, plus strand): 5'-CCAATAGAGTTAACACCTGAGGTTTCTTTTCTCTCCTCAGCTCTCTGCACTACAAGCCAA[G>A]GTCCATTATCTCAAGTTCCTCAGTGACCTACGATTGTATGGGGGCCGTGTGTTCAAGGCA-3'
Protein context (NP_001355326.1, residues 396-416): PGKKLSALQA[Lys406=]VHYLKFLSDL

ClinVar aggregate classification (germline): Benign/Likely benign. Review status: criteria provided, multiple submitters, no conflicts (2 of 4 stars). 5 submissions from 5 submitters: Benign (1); Likely benign (3). 1 of the submissions does not count toward it. Last evaluated 2024-11-26.

Conditions:
FRMPD4-related disorder. Also called: FRMPD4-related condition.

Allele frequency attached by ClinVar (database versions not stated): gnomAD exomes 0.00040 and 0.00063; ESP Exome Variant Server 0.00047; gnomAD 0.00048; TOPMed 0.00058; ExAC 0.00064.
gnomAD v4.1: 512 of 1,176,031 alleles (0.044%); highest among the groups gnomAD compares: Middle Eastern, 0.071%; 2 homozygotes.

Submissions (5):

Blueprint Genetics
Classification: Likely benign. Last evaluated: 2024-11-26. Review status: criteria provided, single submitter. Criteria: ACMG Guidelines, 2015. Collection method: clinical testing. Allele origin: germline.

CeGaT Center for Human Genetics Tuebingen
Classification: Likely benign. Last evaluated: 2022-10-01. Review status: criteria provided, single submitter. Criteria: CeGaT Center For Human Genetics Tuebingen Variant Classification Criteria Version 2. Collection method: clinical testing. Allele origin: germline. Affected: yes. Observed: 4 variant alleles.
Comment: FRMPD4: BP4, BP7

Genetic Services Laboratory, University of Chicago
Classification: Benign. Last evaluated: 2017-07-25. Review status: criteria provided, single submitter. Criteria: ACMG Guidelines, 2015. Collection method: clinical testing. Allele origin: germline. Affected: no.

Breakthrough Genomics
Classification: Likely benign. Review status: criteria provided, single submitter. Criteria: ACMG Guidelines, 2015. Collection method: not provided. Allele origin: germline. Inheritance: X-linked inheritance. Affected: yes.

PreventionGenetics, part of Exact Sciences
Classification: Benign for FRMPD4-related condition. Last evaluated: 2019-06-07. Review status: no assertion criteria provided. Collection method: clinical testing. Allele origin: germline. Not counted in ClinVar's aggregate classification.
Comment: This variant is classified as benign based on ACMG/AMP sequence variant interpretation guidelines (Richards et al. 2015 PMID: 25741868, with internal and published modifications).